The following is an entry in ClinVar:

ClinVar aggregate classification (germline): Uncertain significance. Review status: criteria provided, multiple submitters, no conflicts (2 of 4 stars). 2 submissions from 2 submitters: Uncertain significance (2). Last evaluated 2025-10-22.

Conditions:
Early-onset Lafora body disease. Also called: Epilepsy, progressive myoclonic, 10. Identifiers: Orphanet 324290, MedGen C4225258, MONDO:0014717, OMIM 616640.

Allele frequency attached by ClinVar (database versions not stated): ExAC 0.00001; gnomAD 0.00001 and 0.00002; gnomAD exomes 0.00001 and 0.00005.
gnomAD v4.1: 73 of 1,602,298 alleles (0.0046%); highest among the groups gnomAD compares: Non-Finnish European, 0.0059%; no homozygotes.

Submissions (2):

Ambry Genetics
Classification: Uncertain significance. Last evaluated: 2025-10-22. Review status: criteria provided, single submitter. Criteria: Ambry Variant Classification Scheme 2023. Collection method: clinical testing. Allele origin: germline.

Labcorp Genetics (formerly Invitae), Labcorp
Classification: Uncertain significance for Early-onset Lafora body disease. Last evaluated: 2023-08-30. Review status: criteria provided, single submitter. Criteria: Invitae Variant Classification Sherloc (09022015). Collection method: clinical testing. Allele origin: germline.
Comment: In summary, the available evidence is currently insufficient to determine the role of this variant in disease. Therefore, it has been classified as a Variant of Uncertain Significance. Advanced modeling of protein sequence and biophysical properties (such as structural, functional, and spatial information, amino acid conservation, physicochemical variation, residue mobility, and thermodynamic stability) performed at Invitae indicates that this missense variant is not expected to disrupt PRDM8 protein function. ClinVar contains an entry for this variant (Variation ID: 863656). This variant has not been reported in the literature in individuals affected with PRDM8-related conditions. This variant is present in population databases (rs768596814, gnomAD 0.002%). This sequence change replaces phenylalanine, which is neutral and non-polar, with isoleucine, which is neutral and non-polar, at codon 227 of the PRDM8 protein (p.Phe227Ile).

NM_001099403.2(PRDM8):c.679T>A (p.Phe227Ile)

Gene: PRDM8 (PR/SET domain 8; plus strand). Cytogenetic location: 4q21.21.
Variant type: single nucleotide variant.
Coding change: c.679T>A on transcript NM_001099403.2 (MANE Select); coding-DNA position 679, T replaced by A.
Protein change: p.Phe227Ile; replaces phenylalanine 227 with isoleucine.
Molecular consequence: missense variant.
Genome position (GRCh38, 1-based): chr4:80,202,141, T>A. VCF-style: chr4-80202141-T-A. GRCh37 (hg19) VCF-style: chr4-81123295-T-A.
Other names: c.679T>A, p.Phe227Ile (NM_020226.4); short protein forms F227I.
Identifiers: ClinVar variation 863656 (VCV000863656.11), dbSNP rs768596814, ClinGen allele CA2982307.
Genomic context (GRCh38, chr4:80,202,141, plus strand): 5'-GGCGGTGGCAAAGACCAGCAGCAGCAGCAGCAGGAGGCACCTTTAGGCCCGGGTCCCAAG[T>A]TTTGCAAAGCCGGCCCCCTCCACCACTACCCATCCCCCTCCCCGGAAAGCAGCAACCCAT-3'
Protein context (NP_001092873.1, residues 217-237): QEAPLGPGPK[Phe227Ile]CKAGPLHHYP